The following is an entry in ClinVar:

NM_001283009.2(RTEL1):c.2682C>G (p.Asp894Glu)

Genes: RTEL1 (regulator of telomere elongation helicase 1; plus strand), RTEL1-TNFRSF6B (RTEL1-TNFRSF6B readthrough (NMD candidate); plus strand). Cytogenetic location: 20q13.33.
Variant type: single nucleotide variant.
Coding change: c.2682C>G on transcript NM_001283009.2 (MANE Select); coding-DNA position 2682, C replaced by G.
Protein change: p.Asp894Glu; replaces aspartic acid 894 with glutamic acid.
Molecular consequence: missense variant. On other transcripts: non-coding transcript variant (1).
Genome position (GRCh38, 1-based): chr20:63,692,834, C>G. VCF-style: chr20-63692834-C-G. GRCh37 (hg19) VCF-style: chr20-62324187-C-G.
Other names: c.2013C>G, p.Asp671Glu (NM_001283010.1); c.2682C>G, p.Asp894Glu (NM_016434.4); c.2754C>G, p.Asp918Glu (NM_032957.5); short protein forms D671E, D894E, D918E.
Identifiers: ClinVar variation 1471545 (VCV001471545.9), dbSNP rs535831345, ClinGen allele CA409682828.
Genomic context (GRCh38, chr20:63,692,834, plus strand): 5'-CCTGATGGAGCCTCGGGCCTGTGTCCTGCAGGAGGAGCCCGTGGCTGGTGCACAGACGGA[C>G]AGGGCCAAGCTCTTCATGGTGGCCGTGAAGCAGGAGTTGAGCCAAGCCAACTTTGCCACC-3'
Protein context (NP_001269938.1, residues 884-904): PEEPVAGAQT[Asp894Glu]RAKLFMVAVK

ClinVar aggregate classification (germline): Uncertain significance. Review status: criteria provided, multiple submitters, no conflicts (2 of 4 stars). 2 submissions from 2 submitters: Uncertain significance (2). Last evaluated 2025-04-06.

Conditions:
Inborn genetic diseases. Identifiers: MedGen C0950123, MeSH D030342.
Pulmonary fibrosis and/or bone marrow failure, Telomere-related, 3. Also called: PULMONARY FIBROSIS AND/OR BONE MARROW FAILURE SYNDROME, TELOMERE-RELATED, 3. Identifiers: Orphanet 2032, MedGen C4225346, MONDO:0014613, OMIM 616373.
Dyskeratosis congenita, autosomal recessive 5 (DKCB5). Identifiers: MedGen C3554656, MONDO:0014076, OMIM 615190.

Submissions (2):

Ambry Genetics
Classification: Uncertain significance for Inborn genetic diseases. Last evaluated: 2025-04-06. Review status: criteria provided, single submitter. Criteria: Ambry Variant Classification Scheme 2023. Collection method: clinical testing. Allele origin: germline.
Comment: The p.D894E variant (also known as c.2682C>G), located in coding exon 28 of the RTEL1 gene, results from a C to G substitution at nucleotide position 2682. The aspartic acid at codon 894 is replaced by glutamic acid, an amino acid with highly similar properties. This amino acid position is conserved. In addition, this alteration is predicted to be tolerated by in silico analysis. Based on the available evidence, the clinical significance of this variant remains unclear.

Labcorp Genetics (formerly Invitae), Labcorp
Classification: Uncertain significance for Dyskeratosis congenita, autosomal recessive 5; Pulmonary fibrosis and/or bone marrow failure, Telomere-related, 3. Last evaluated: 2024-02-23. Review status: criteria provided, single submitter. Criteria: Invitae Variant Classification Sherloc (09022015). Collection method: clinical testing. Allele origin: germline.
Comment: This sequence change replaces aspartic acid, which is acidic and polar, with glutamic acid, which is acidic and polar, at codon 894 of the RTEL1 protein (p.Asp894Glu). This variant is not present in population databases (gnomAD no frequency). This variant has not been reported in the literature in individuals affected with RTEL1-related conditions. ClinVar contains an entry for this variant (Variation ID: 1471545). Algorithms developed to predict the effect of missense changes on protein structure and function output the following: SIFT: "Not Available"; PolyPhen-2: "Benign"; Align-GVGD: "Not Available". The glutamic acid amino acid residue is found in multiple mammalian species, which suggests that this missense change does not adversely affect protein function. In summary, the available evidence is currently insufficient to determine the role of this variant in disease. Therefore, it has been classified as a Variant of Uncertain Significance.